The following is an entry in ClinVar:

ClinVar aggregate classification (germline): Conflicting classifications of pathogenicity. Review status: criteria provided, conflicting classifications (1 of 4 stars). 3 submissions from 3 submitters: Uncertain significance (1); Likely benign (1). 1 of the submissions does not count toward it. Last evaluated 2025-04-09.

Conditions:
Inborn genetic diseases. Identifiers: MedGen C0950123, MeSH D030342.
NRAP-related disorder. Also called: NRAP-related condition.

Allele frequency attached by ClinVar (database versions not stated): gnomAD exomes 0.00005; 1000 Genomes Project 30x 0.00016; 1000 Genomes Project 0.00020; ExAC 0.00026; gnomAD 0.00068; ESP Exome Variant Server 0.00069; TOPMed 0.00077.
gnomAD v4.1: 181 of 1,614,150 alleles (0.011%); highest among the groups gnomAD compares: African/African-American, 0.2%; no homozygotes.

Submissions (3):

Molecular Diagnostic Laboratory for Inherited Cardiovascular Disease, Montreal Heart Institute
Classification: Likely benign. Last evaluated: 2025-04-09. Review status: criteria provided, single submitter. Criteria: ACMG Guidelines, 2015. Collection method: clinical testing. Allele origin: germline. Affected: no.
Comment: BS1

Ambry Genetics
Classification: Uncertain significance for Inborn genetic diseases. Last evaluated: 2021-07-09. Review status: criteria provided, single submitter. Criteria: Ambry Variant Classification Scheme 2023. Collection method: clinical testing. Allele origin: germline.

PreventionGenetics, part of Exact Sciences
Classification: Likely benign for NRAP-related condition. Last evaluated: 2023-06-05. Review status: no assertion criteria provided. Collection method: clinical testing. Allele origin: germline. Not counted in ClinVar's aggregate classification.
Comment: This variant is classified as likely benign based on ACMG/AMP sequence variant interpretation guidelines (Richards et al. 2015 PMID: 25741868, with internal and published modifications).

NM_198060.4(NRAP):c.3847G>A (p.Gly1283Ser)

Gene: NRAP (nebulin related anchoring protein; minus strand). Cytogenetic location: 10q25.3.
Variant type: single nucleotide variant.
Coding change: c.3847G>A on transcript NM_198060.4 (MANE Select); coding-DNA position 3847, G replaced by A.
Protein change: p.Gly1283Ser; replaces glycine 1283 with serine.
Molecular consequence: missense variant.
Genome position (GRCh38, 1-based): chr10:113,605,830, C>T on the plus strand (G>A on the coding strand, the complement: NRAP is on the minus strand). VCF-style: chr10-113605830-C-T. GRCh37 (hg19) VCF-style: chr10-115365589-C-T.
Other names: c.3847G>A, p.Gly1283Ser (NM_001261463.2); c.3739G>A, p.Gly1247Ser (NM_001322945.2); c.3742G>A, p.Gly1248Ser (NM_006175.5); c.3847G>A (NM_001261463.1, NM_198060.3); short protein forms G1247S, G1248S, G1283S.
Identifiers: ClinVar variation 2214327 (VCV002214327.5), dbSNP rs148504118, ClinGen allele CA5694623.